The following is an entry in ClinVar:

ClinVar aggregate classification (germline): Uncertain significance (1 of 4 stars; one submission).

gnomAD v4.1: 2 of 1,609,002 alleles (0.00012%); highest among the groups gnomAD compares: Non-Finnish European, 0.00017%; no homozygotes.

Submissions (2):

Labcorp Genetics (formerly Invitae), Labcorp
Classification: Uncertain significance. Last evaluated: 2025-04-03. Review status: criteria provided, single submitter. Criteria: Invitae Variant Classification Sherloc (09022015). Collection method: clinical testing. Allele origin: germline.
Comment: This sequence change falls in intron 4 of the TMEM106B gene. It does not directly change the encoded amino acid sequence of the TMEM106B protein. It affects a nucleotide within the consensus splice site. This variant is present in population databases (no rsID available, gnomAD 0.007%). This variant has not been reported in the literature in individuals affected with TMEM106B-related conditions. ClinVar contains an entry for this variant (Variation ID: 3623866). Variants that disrupt the consensus splice site are a relatively common cause of aberrant splicing (PMID: 17576681, 9536098). Algorithms developed to predict the effect of sequence changes on RNA splicing suggest that this variant is not likely to affect RNA splicing. In summary, the available evidence is currently insufficient to determine the role of this variant in disease. Therefore, it has been classified as a Variant of Uncertain Significance.

Dr. Peter K. Rogan Lab, Western University
No classification provided (evidence only). Condition: Lung cancer. Review status: no classification provided. Collection method: in vitro. Allele origin: not applicable. Functional consequence: retained intron. Not counted in ClinVar's aggregate classification.

Literature cited by the submitters: PubMed 17576681 (cited by Labcorp Genetics (formerly Invitae), Labcorp); PubMed 9536098 (cited by Labcorp Genetics (formerly Invitae), Labcorp).

NM_001134232.2(TMEM106B):c.282-3C>T

Gene: TMEM106B (transmembrane protein 106B; plus strand). Cytogenetic location: 7p21.3.
Variant type: single nucleotide variant.
Coding change: c.282-3C>T on transcript NM_001134232.2 (MANE Select); 3 bases into the intron before coding-DNA position 282, C replaced by T.
Molecular consequence: intron variant.
Genome position (GRCh38, 1-based): chr7:12,224,223, C>T. VCF-style: chr7-12224223-C-T. GRCh37 (hg19) VCF-style: chr7-12263849-C-T.
Other names: c.282-3C>T (NM_018374.4).
Identifiers: ClinVar variation 3623866 (VCV003623866.3).